The following is an entry in ClinVar:

NM_004329.3(BMPR1A):c.679C>A (p.Gln227Lys)

Gene: BMPR1A (bone morphogenetic protein receptor type 1A; plus strand). Cytogenetic location: 10q23.2.
Variant type: single nucleotide variant.
Coding change: c.679C>A on transcript NM_004329.3 (MANE Select); coding-DNA position 679, C replaced by A.
Protein change: p.Gln227Lys; replaces glutamine 227 with lysine.
Molecular consequence: missense variant. On other transcripts: non-coding transcript variant (3), intron variant (1).
Genome position (GRCh38, 1-based): chr10:86,917,137, C>A. VCF-style: chr10-86917137-C-A. GRCh37 (hg19) VCF-style: chr10-88676894-C-A.
Other names: c.595C>A, p.Gln199Lys (NM_001406587.1, NM_001406588.1, NM_001406584.1 and 2 more transcripts); c.337C>A, p.Gln113Lys (NM_001406589.1); c.679C>A, p.Gln227Lys (NM_001406581.1, NM_001406582.1, NM_001406561.1 and 19 more transcripts); c.754C>A, p.Gln252Lys (NM_001406559.1); c.727C>A, p.Gln243Lys (NM_001406560.1); c.676-3C>A (NM_001406583.1); short protein forms Q227K, Q243K, Q113K, Q199K, Q252K.
Identifiers: ClinVar variation 5033021 (VCV005033021.1).

ClinVar aggregate classification (germline): Uncertain significance (1 of 4 stars; one submission).

Conditions:
Hereditary cancer-predisposing syndrome. Also called: Neoplastic Syndromes, Hereditary; Tumor predisposition; Hereditary neoplastic syndrome; Hereditary Cancer Syndrome. Identifiers: Orphanet 140162, MedGen C0027672, MeSH D009386, MONDO:0015356.

Submission:

Ambry Genetics
Classification: Uncertain significance for Hereditary cancer-predisposing syndrome. Last evaluated: 2026-07-07. Review status: criteria provided, single submitter. Criteria: Ambry Variant Classification Scheme 2023. Collection method: clinical testing. Allele origin: germline.
Comment: The p.Q227K variant (also known as c.679C>A), located in coding exon 7 of the BMPR1A gene, results from a C to A substitution at nucleotide position 679. The glutamine at codon 227 is replaced by lysine, an amino acid with similar properties. This amino acid position is conserved. In addition, this alteration is predicted to be deleterious by in silico analysis. Based on the available evidence, the clinical significance of this variant remains unclear.